The following is an entry in ClinVar:

ClinVar aggregate classification (germline): Pathogenic/Likely pathogenic. Review status: criteria provided, multiple submitters, no conflicts (2 of 4 stars). 8 submissions from 8 submitters: Pathogenic (7); Likely pathogenic (1). Last evaluated 2024-09-24.

Conditions:
Hereditary nonpolyposis colorectal neoplasms. Identifiers: MedGen C0009405, MeSH D003123.
PMS2-related disorder. Also called: PMS2-related condition.
Lynch syndrome 4 (LYNCH4). Also called: Colorectal cancer, hereditary nonpolyposis, type 4; Hereditary non-polyposis colorectal cancer, type 4. Identifiers: Orphanet 144, MedGen C1838333, MONDO:0013699, OMIM 614337. Disease mechanism: loss of function.
Mismatch repair cancer syndrome 4. Identifiers: MedGen C5436817, MONDO:0030843, OMIM 619101.
Hereditary cancer-predisposing syndrome. Also called: Tumor predisposition; Hereditary Cancer Syndrome; Neoplastic Syndromes, Hereditary; Hereditary neoplastic syndrome. Identifiers: Orphanet 140162, MedGen C0027672, MeSH D009386, MONDO:0015356.

Submissions (8):

Blueprint Genetics
Classification: Likely pathogenic for PMS2-related disorders. Last evaluated: 2024-09-24. Review status: criteria provided, single submitter. Criteria: ACMG Guidelines, 2015. Collection method: clinical testing. Allele origin: germline. Affected: yes. Observed: 1 variant allele.

GeneDx
Classification: Pathogenic. Last evaluated: 2024-05-23. Review status: criteria provided, single submitter. Criteria: GeneDx Variant Classification Process June 2021. Collection method: clinical testing. Allele origin: germline. Affected: yes.
Comment: Nonsense variant predicted to result in protein truncation or nonsense mediated decay in a gene for which loss of function is a known mechanism of disease; Not observed at significant frequency in large population cohorts (gnomAD); Observed in an individual with a personal and/or family history consistent with pathogenic variants in this gene (PMID: 37306523); Truncating variants in this gene are considered pathogenic by a well-established clinical consortium and/or database; This variant is associated with the following publications: (PMID: 37306523, 36897649)

Genomic Medicine Center of Excellence, King Faisal Specialist Hospital and Research Centre
Classification: Pathogenic for Mismatch repair cancer syndrome 4. Last evaluated: 2024-03-25. Review status: criteria provided, single submitter. Criteria: ACMG Guidelines, 2015. Collection method: clinical testing. Allele origin: germline.

Myriad Genetics, Inc.
Classification: Pathogenic for Lynch syndrome 4. Last evaluated: 2023-09-20. Review status: criteria provided, single submitter. Criteria: Myriad Autosomal Dominant, Autosomal Recessive and X-Linked Classification Criteria (2023). Collection method: clinical testing. Allele origin: unknown.
Comment: This variant is considered pathogenic. This variant creates a termination codon and is predicted to result in premature protein truncation.

KCCC/NGS Laboratory, Kuwait Cancer Control Center
Classification: Pathogenic for Mismatch repair cancer syndrome 4. Last evaluated: 2023-07-07. Review status: criteria provided, single submitter. Criteria: ACMG Guidelines, 2015. Collection method: clinical testing. Allele origin: unknown. Affected: yes.
Comment: This variant changes 1 nucleotide in exon 11 of the PMS2 gene, creating a premature translation stop signal. This variant is expected to result in an absent or non-functional protein product. This variant has not been identified in the general population by the Genome Aggregation Database (gnomAD). Loss of PMS2 function is a known mechanism of disease. Therefore, this variant is classified as Pathogenic.

Labcorp Genetics (formerly Invitae), Labcorp
Classification: Pathogenic for Hereditary nonpolyposis colorectal neoplasms. Last evaluated: 2022-12-07. Review status: criteria provided, single submitter. Criteria: Invitae Variant Classification Sherloc (09022015). Collection method: clinical testing. Allele origin: germline.
Comment: This variant has not been reported in the literature in individuals affected with PMS2-related conditions. This variant is not present in population databases (gnomAD no frequency). ClinVar contains an entry for this variant (Variation ID: 486937). For these reasons, this variant has been classified as Pathogenic. This sequence change creates a premature translational stop signal (p.Gln536*) in the PMS2 gene. It is expected to result in an absent or disrupted protein product. Loss-of-function variants in PMS2 are known to be pathogenic (PMID: 21376568, 24362816).

Color Diagnostics, LLC DBA Color Health
Classification: Pathogenic for Hereditary cancer-predisposing syndrome. Last evaluated: 2020-01-15. Review status: criteria provided, single submitter. Criteria: ACMG Guidelines, 2015. Collection method: clinical testing. Allele origin: germline.
Comment: This variant changes 1 nucleotide in exon 11 of the PMS2 gene, creating a premature translation stop signal. This variant is expected to result in an absent or non-functional protein product. This variant has not been identified in the general population by the Genome Aggregation Database (gnomAD). Loss of PMS2 function is a known mechanism of disease. Based on the available evidence, this variant is classified as Pathogenic.

Ambry Genetics
Classification: Pathogenic for Hereditary cancer-predisposing syndrome. Last evaluated: 2016-10-17. Review status: criteria provided, single submitter. Criteria: Ambry Variant Classification Scheme 2023. Collection method: clinical testing. Allele origin: germline.
Comment: The p.Q536* pathogenic mutation (also known as c.1606C>T), located in coding exon 11 of the PMS2 gene, results from a C to T substitution at nucleotide position 1606. This changes the amino acid from a glutamine to a stop codon within coding exon 11. This alteration is expected to result in loss of function by premature protein truncation or nonsense-mediated mRNA decay. As such, this alteration is interpreted as a disease-causing mutation.

Literature cited by the submitters: PubMed 21376568 (cited by Labcorp Genetics (formerly Invitae), Labcorp); PubMed 24362816 (cited by Labcorp Genetics (formerly Invitae), Labcorp).

NM_000535.7(PMS2):c.1606C>T (p.Gln536Ter)

Gene: PMS2 (PMS1 homolog 2, mismatch repair system component; minus strand). Cytogenetic location: 7p22.1.
Variant type: single nucleotide variant.
Coding change: c.1606C>T on transcript NM_000535.7 (MANE Select); coding-DNA position 1606, C replaced by T.
Protein change: p.Gln536Ter; replaces glutamine 536 with a stop codon.
Molecular consequence: nonsense. On other transcripts: non-coding transcript variant (1).
Genome position (GRCh38, 1-based): chr7:5,987,159, G>A on the plus strand (C>T on the coding strand, the complement: PMS2 is on the minus strand). VCF-style: chr7-5987159-G-A. GRCh37 (hg19) VCF-style: chr7-6026790-G-A.
Other names: c.1201C>T, p.Gln401Ter (NM_001322003.2, NM_001322004.2, NM_001322005.2 and 1 more transcripts); c.1450C>T, p.Gln484Ter (NM_001322006.2); c.1288C>T, p.Gln430Ter (NM_001322007.2, NM_001322008.2); c.1045C>T, p.Gln349Ter (NM_001322010.2); c.673C>T, p.Gln225Ter (NM_001322011.2, NM_001322012.2); c.1033C>T, p.Gln345Ter (NM_001322013.2); c.1606C>T, p.Gln536Ter (NM_001322014.2); c.1297C>T, p.Gln433Ter (NM_001322015.2); short protein forms Q536*, Q345*, Q401*, Q433*, Q225*, Q484*, Q349*, Q430*.
Identifiers: ClinVar variation 486937 (VCV000486937.16), dbSNP rs1554297488, ClinGen allele CA366741495.
Genomic context (GRCh38, chr7:5,987,159, plus strand): 5'-CCTGGTTTGAATGGCAGTCCACATCTGAAAAAGAGTCGTCAGTTTTAGGCGCTTTCTCCT[G>A]AGAGTCCACATGTTCCTGCGAGCCCCTGTCCCCTGGGGAGCTGGCCGCATACTCGCTGCT-3'